The following is an entry in ClinVar:

ClinVar aggregate classification (germline): Uncertain significance (1 of 4 stars; one submission).

Conditions:
Familial focal epilepsy with variable foci (FPEVF). Identifiers: Orphanet 98820, MedGen C1858477, MONDO:0020310.

Submission:

Labcorp Genetics (formerly Invitae), Labcorp
Classification: Uncertain significance for Familial focal epilepsy with variable foci. Last evaluated: 2023-11-24. Review status: criteria provided, single submitter. Criteria: Invitae Variant Classification Sherloc (09022015). Collection method: clinical testing. Allele origin: germline.
Comment: This sequence change replaces alanine, which is neutral and non-polar, with valine, which is neutral and non-polar, at codon 975 of the DEPDC5 protein (p.Ala975Val). This variant is not present in population databases (gnomAD no frequency). This variant has not been reported in the literature in individuals affected with DEPDC5-related conditions. Experimental studies and prediction algorithms are not available or were not evaluated, and the functional significance of this variant is currently unknown. In summary, the available evidence is currently insufficient to determine the role of this variant in disease. Therefore, it has been classified as a Variant of Uncertain Significance.

NM_001242896.3(DEPDC5):c.2924C>T (p.Ala975Val)

Gene: DEPDC5 (DEP domain containing 5, GATOR1 subcomplex subunit; plus strand). Cytogenetic location: 22q12.3.
Variant type: single nucleotide variant.
Coding change: c.2924C>T on transcript NM_001242896.3 (MANE Select); coding-DNA position 2924, C replaced by T.
Protein change: p.Ala975Val; replaces alanine 975 with valine.
Molecular consequence: missense variant. On other transcripts: non-coding transcript variant (5).
Genome position (GRCh38, 1-based): chr22:31,845,140, C>T. VCF-style: chr22-31845140-C-T. GRCh37 (hg19) VCF-style: chr22-32241126-C-T.
Other names: c.2897C>T, p.Ala966Val (NM_001136029.4, NM_001369903.1, NM_014662.6); c.2690C>T, p.Ala897Val (NM_001242897.2, NM_001363854.2, NM_001364319.2); c.2924C>T, p.Ala975Val (NM_001363852.2, NM_001364318.2, NM_001364320.2); c.2840C>T, p.Ala947Val (NM_001369901.1, NM_001369902.1); short protein forms A975V, A897V, A947V, A966V.
Identifiers: ClinVar variation 2764262 (VCV002764262.3), dbSNP rs2520188530, ClinGen allele CA411291232.